The following is an entry in ClinVar:

NM_001385125.1(OPN1SW):c.1034A>G (p.Asn345Ser)

Genes: OPN1SW (opsin 1, short wave sensitive; minus strand), CALU (calumenin; plus strand). Cytogenetic location: 7q32.1.
Variant type: single nucleotide variant.
Coding change: c.1034A>G on transcript NM_001385125.1 (MANE Select); coding-DNA position 1034, A replaced by G.
Protein change: p.Asn345Ser; replaces asparagine 345 with serine.
Molecular consequence: missense variant. On other transcripts: 3 prime UTR variant (5), non-coding transcript variant (1).
Genome position (GRCh38, 1-based): chr7:128,772,544, T>C on the plus strand (A>G on the coding strand, the complement: OPN1SW is on the minus strand). VCF-style: chr7-128772544-T-C. GRCh37 (hg19) VCF-style: chr7-128412598-T-C.
Other names: c.*3377T>C (NM_001130674.3, NM_001199671.2, NM_001199672.2 and 1 more transcripts); c.*3450T>C (NM_001199673.2); short protein forms N345S.
Identifiers: ClinVar variation 1509895 (VCV001509895.6), dbSNP rs776133013, ClinGen allele CA4472762.

ClinVar aggregate classification (germline): Uncertain significance (1 of 4 stars; one submission).

Allele frequency attached by ClinVar (database versions not stated): gnomAD 0.00001; gnomAD exomes 0.00002; TOPMed 0.00002; ExAC 0.00003.
gnomAD v4.1: 37 of 1,614,046 alleles (0.0023%); highest among the groups gnomAD compares: Admixed American, 0.0067%; no homozygotes.

Submission:

Labcorp Genetics (formerly Invitae), Labcorp
Classification: Uncertain significance. Last evaluated: 2022-03-10. Review status: criteria provided, single submitter. Criteria: Invitae Variant Classification Sherloc (09022015). Collection method: clinical testing. Allele origin: germline.
Comment: In summary, the available evidence is currently insufficient to determine the role of this variant in disease. Therefore, it has been classified as a Variant of Uncertain Significance. Algorithms developed to predict the effect of missense changes on protein structure and function output the following: SIFT: "Tolerated"; PolyPhen-2: "Benign"; Align-GVGD: "Class C0". The serine amino acid residue is found in multiple mammalian species, which suggests that this missense change does not adversely affect protein function. This variant has not been reported in the literature in individuals affected with OPN1SW-related conditions. This variant is present in population databases (rs776133013, gnomAD 0.006%). This sequence change replaces asparagine, which is neutral and polar, with serine, which is neutral and polar, at codon 348 of the OPN1SW protein (p.Asn348Ser).